The following is an entry in ClinVar:

ClinVar aggregate classification (germline): Uncertain significance (1 of 4 stars; one submission).

gnomAD v4.1: 3 of 1,613,910 alleles (0.00019%); highest among the groups gnomAD compares: African/African-American, 0.0027%; no homozygotes.

Submission:

GeneDx
Classification: Uncertain significance. Last evaluated: 2024-12-02. Review status: criteria provided, single submitter. Criteria: GeneDx Variant Classification Process June 2021. Collection method: clinical testing. Allele origin: germline. Affected: yes.
Comment: Not observed at significant frequency in large population cohorts (gnomAD); In silico analysis indicates that this missense variant does not alter protein structure/function; Has not been previously published as pathogenic or benign to our knowledge

NM_001231.5(CASQ1):c.21G>A (p.Met7Ile)

Gene: CASQ1 (calsequestrin 1; plus strand). Cytogenetic location: 1q23.2.
Variant type: single nucleotide variant.
Coding change: c.21G>A on transcript NM_001231.5 (MANE Select); coding-DNA position 21, G replaced by A.
Protein change: p.Met7Ile; replaces methionine 7 with isoleucine.
Molecular consequence: missense variant.
Genome position (GRCh38, 1-based): chr1:160,190,772, G>A. VCF-style: chr1-160190772-G-A. GRCh37 (hg19) VCF-style: chr1-160160562-G-A.
Other names: short protein forms M7I.
Identifiers: ClinVar variation 3901757 (VCV003901757.1).
Genomic context (GRCh38, chr1:160,190,772, plus strand): 5'-CTTCTGGACCAGGAGAGCCAACCCAGATCCCACTACCTCCATGAGTGCTACAGACAGGAT[G>A]GGGCCCAGAGCTGTGCCGGGTCTGCGGCTGGCACTGCTGTTGCTGCTGGTGCTAGGGACA-3'
Protein context (NP_001222.3, residues 1-17): MSATDR[Met7Ile]GPRAVPGLRL